The following is an entry in ClinVar:

NM_001267550.2(TTN):c.101793_101794del (p.His33931fs)

Genes: TTN (titin; minus strand), TTN-AS1 (TTN antisense RNA 1; plus strand). Cytogenetic location: 2q31.2.
Variant type: Microsatellite.
Coding change: c.101793_101794del on transcript NM_001267550.2 (MANE Select); coding-DNA positions 101793 to 101794, 2 bases deleted (CA; older notation c.101793_101794delCA).
Protein change: p.His33931fs; shifts the reading frame from histidine 33931.
Molecular consequence: frameshift variant.
Genome position (GRCh38, 1-based): chr2:178,534,821-178,534,822, TG deleted on the plus strand (CA on the coding strand, the reverse complement: TTN is on the minus strand); deleting any 2 consecutive bases within chr2:178,534,821-178,534,825 gives the same sequence; the c. name uses the placement nearest the transcript's 3' end. VCF-style (leftmost placement, unchanged base first): chr2-178534820-CTG-C. GRCh37 (hg19) VCF-style: chr2-179399547-CTG-C.
Other names: c.96870_96871del, p.His32290fs (NM_001256850.1); c.74598_74599del, p.His24866fs (NM_003319.4); c.94089_94090del, p.His31363fs (NM_133378.4); c.74973_74974del, p.His24991fs (NM_133432.3); c.75174_75175del, p.His25058fs (NM_133437.4); short protein forms H25058fs, H24866fs, H24991fs, H33931fs, H31363fs, H32290fs.
Identifiers: ClinVar variation 2109386 (VCV002109386.4), dbSNP rs2468549987, ClinGen allele CA2580614431.

ClinVar aggregate classification (germline): Likely pathogenic (1 of 4 stars; one submission).

Conditions:
Dilated cardiomyopathy 1G (CMD1G). Identifiers: Orphanet 154, MedGen C1858763, MONDO:0011400, OMIM 604145.
Autosomal recessive limb-girdle muscular dystrophy type 2J (LGMDR10). Also called: Limb-girdle muscular dystrophy, type 2J; MUSCULAR DYSTROPHY, LIMB-GIRDLE, AUTOSOMAL RECESSIVE 10. Identifiers: Orphanet 140922, MedGen C1837342, MONDO:0012127, OMIM 608807.

Submission:

Labcorp Genetics (formerly Invitae), Labcorp
Classification: Likely pathogenic for Dilated cardiomyopathy 1G; Autosomal recessive limb-girdle muscular dystrophy type 2J. Last evaluated: 2026-01-12. Review status: criteria provided, single submitter. Criteria: Invitae Variant Classification Sherloc (09022015). Collection method: clinical testing. Allele origin: germline.
Comment: This sequence change creates a premature translational stop signal (p.His33931Glnfs*3) in the TTN gene. While this is not anticipated to result in nonsense mediated decay, it is expected to create a truncated TTN protein. This variant is not present in population databases (gnomAD no frequency). This variant has not been reported in the literature in individuals affected with TTN-related conditions. ClinVar contains an entry for this variant (Variation ID: 2109386). This variant is located in the M band of TTN (PMID: 25589632). Truncating variants in this region have been previously reported in individuals affected with autosomal dominant or autosomal recessive myopathy and muscular dystrophy (PMID: 18948003, 23975875, 24395473). Truncating variants in this region have also been identified in individuals affected with autosomal dominant dilated cardiomyopathy and/or cardio-related conditions (PMID: 27869827, 32964742, internal data). In summary, the currently available evidence indicates that the variant is pathogenic, but additional data are needed to prove that conclusively. Therefore, this variant has been classified as Likely Pathogenic.

Literature cited by the submitters: PubMed 25589632; PubMed 18948003; PubMed 23975875; PubMed 24395473; PubMed 27869827; PubMed 32964742.